The following is an entry in ClinVar:

ClinVar aggregate classification (germline): Pathogenic/Likely pathogenic. Review status: criteria provided, multiple submitters, no conflicts (2 of 4 stars). 2 submissions from 2 submitters: Pathogenic (1); Likely pathogenic (1). Last evaluated 2021-12-24.

Conditions:
RYR1-related disorder. Also called: RYR1-related condition; RYR1-related disorders. Identifiers: MedGen CN239331.
Congenital multicore myopathy with external ophthalmoplegia (CMYO1B). Also called: Minicore myopathy; Congenital myopathy 1B, autosomal recessive; Minicore myopathy with external ophthalmoplegia; MULTIMINICORE DISEASE WITH EXTERNAL OPHTHALMOPLEGIA; MULTICORE MYOPATHY. Identifiers: Orphanet 598, Orphanet 98905, MedGen C1850674, MONDO:0009712, OMIM 255320, HP:0003789.

Submissions (2):

Labcorp Genetics (formerly Invitae), Labcorp
Classification: Pathogenic for RYR1-related disorder. Last evaluated: 2021-12-24. Review status: criteria provided, single submitter. Criteria: Invitae Variant Classification Sherloc (09022015). Collection method: clinical testing. Allele origin: germline.
Comment: This sequence change creates a premature translational stop signal (p.Asp60Argfs*24) in the RYR1 gene. It is expected to result in an absent or disrupted protein product. Loss-of-function variants in RYR1 are known to be pathogenic (PMID: 20583297, 20839240, 23919265, 28818389). This variant is present in population databases (rs756326114, gnomAD 0.004%). This variant has not been reported in the literature in individuals affected with RYR1-related conditions. ClinVar contains an entry for this variant (Variation ID: 1030857). For these reasons, this variant has been classified as Pathogenic.

Baylor Genetics
Classification: Likely pathogenic for Congenital multicore myopathy with external ophthalmoplegia. Last evaluated: 2019-02-14. Review status: criteria provided, single submitter. Criteria: ACMG Guidelines, 2015. Collection method: clinical testing. Allele origin: unknown. Affected: yes.
Comment: This variant was determined to be likely pathogenic according to ACMG Guidelines, 2015 [PMID:25741868].

Literature cited by the submitters: PubMed 20583297 (cited by Labcorp Genetics (formerly Invitae), Labcorp); PubMed 20839240 (cited by Labcorp Genetics (formerly Invitae), Labcorp); PubMed 23919265 (cited by Labcorp Genetics (formerly Invitae), Labcorp); PubMed 28818389 (cited by Labcorp Genetics (formerly Invitae), Labcorp).

NM_000540.3(RYR1):c.177dup (p.Asp60fs)

Gene: RYR1 (ryanodine receptor 1; plus strand). Cytogenetic location: 19q13.2.
Variant type: Duplication.
Coding change: c.177dup on transcript NM_000540.3 (MANE Select); coding-DNA position 177, one base duplicated (C; older notation c.177dupC).
Protein change: p.Asp60fs; shifts the reading frame from aspartic acid 60.
Molecular consequence: frameshift variant.
Genome position (GRCh38, 1-based): chr19:38,442,360, C duplicated; the last of 6 consecutive C bases (chr19:38,442,355-38,442,360); duplicating any one gives the same sequence. VCF-style (leftmost placement, unchanged base first): chr19-38442354-G-GC. GRCh37 (hg19) VCF-style: chr19-38932994-G-GC.
Other names: c.177dup, p.Asp60fs (NM_001042723.2); short protein forms D60fs.
Identifiers: ClinVar variation 1030857 (VCV001030857.10), dbSNP rs756326114, ClinGen allele CA062357.